The following is an entry in ClinVar:

ClinVar aggregate classification (germline): Uncertain significance (1 of 4 stars; one submission).

Conditions:
Long QT syndrome (LQTS). Identifiers: MedGen C0023976, MeSH D008133, MONDO:0002442. Disease mechanism: loss of function. Inheritance: Various modes of inheritance.

Submission:

Labcorp Genetics (formerly Invitae), Labcorp
Classification: Uncertain significance for Long QT syndrome. Last evaluated: 2023-03-30. Review status: criteria provided, single submitter. Criteria: Invitae Variant Classification Sherloc (09022015). Collection method: clinical testing. Allele origin: germline.
Comment: This sequence change replaces serine, which is neutral and polar, with alanine, which is neutral and non-polar, at codon 277 of the KCNJ5 protein (p.Ser277Ala). In summary, the available evidence is currently insufficient to determine the role of this variant in disease. Therefore, it has been classified as a Variant of Uncertain Significance. Advanced modeling of protein sequence and biophysical properties (such as structural, functional, and spatial information, amino acid conservation, physicochemical variation, residue mobility, and thermodynamic stability) performed at Invitae indicates that this missense variant is not expected to disrupt KCNJ5 protein function. ClinVar contains an entry for this variant (Variation ID: 2127134). This variant has not been reported in the literature in individuals affected with KCNJ5-related conditions. This variant is not present in population databases (gnomAD no frequency).

NM_000890.5(KCNJ5):c.829T>G (p.Ser277Ala)

Gene: KCNJ5 (potassium inwardly rectifying channel subfamily J member 5; plus strand). Cytogenetic location: 11q24.3.
Variant type: single nucleotide variant.
Coding change: c.829T>G on transcript NM_000890.5 (MANE Select); coding-DNA position 829, T replaced by G.
Protein change: p.Ser277Ala; replaces serine 277 with alanine.
Molecular consequence: missense variant.
Genome position (GRCh38, 1-based): chr11:128,912,102, T>G. VCF-style: chr11-128912102-T-G. GRCh37 (hg19) VCF-style: chr11-128781997-T-G.
Other names: c.829T>G, p.Ser277Ala (NM_001354169.2); short protein forms S277A.
Identifiers: ClinVar variation 2127134 (VCV002127134.4), dbSNP rs1212416405, ClinGen allele CA383250606.